The following is an entry in ClinVar:

NM_000501.4(ELN):c.677T>G (p.Leu226Arg)

Gene: ELN (elastin; plus strand). Cytogenetic location: 7q11.23.
Variant type: single nucleotide variant.
Coding change: c.677T>G on transcript NM_000501.4 (MANE Select); coding-DNA position 677, T replaced by G.
Protein change: p.Leu226Arg; replaces leucine 226 with arginine.
Molecular consequence: missense variant. On other transcripts: intron variant (2).
Genome position (GRCh38, 1-based): chr7:74,047,708, T>G. VCF-style: chr7-74047708-T-G. GRCh37 (hg19) VCF-style: chr7-73462038-T-G.
Other names: c.647T>G, p.Leu216Arg (NM_001081752.3, NM_001278917.2); c.692T>G, p.Leu231Arg (NM_001081753.3, NM_001081754.3); c.677T>G, p.Leu226Arg (NM_001081755.3, NM_001278912.2, NM_001278915.2 and 1 more transcripts); c.662T>G, p.Leu221Arg (NM_001278914.2); c.545T>G, p.Leu182Arg (NM_001278918.2); c.644-434T>G (NM_001278916.2); c.578-434T>G (NM_001278913.2); short protein forms L182R, L216R, L221R, L226R, L231R.
Identifiers: ClinVar variation 1720212 (VCV001720212.5), dbSNP rs2485450744, ClinGen allele CA367870428.

ClinVar aggregate classification (germline): Uncertain significance (1 of 4 stars; one submission).

Conditions:
Supravalvar aortic stenosis (SVAS). Also called: Supravalvar aortic stenosis, Eisenberg type. Identifiers: Orphanet 3193, MedGen C0003499, MONDO:0008504, OMIM 185500, HP:0004381.

Allele frequency attached by ClinVar (database versions not stated): gnomAD exomes below 0.00001.
gnomAD v4.1: 1 of 1,614,162 alleles (0.000062%); highest among the groups gnomAD compares: Non-Finnish European, 0.000085%; no homozygotes.

Submission:

Labcorp Genetics (formerly Invitae), Labcorp
Classification: Uncertain significance for Supravalvar aortic stenosis. Last evaluated: 2022-12-18. Review status: criteria provided, single submitter. Criteria: Invitae Variant Classification Sherloc (09022015). Collection method: clinical testing. Allele origin: germline.
Comment: This variant has not been reported in the literature in individuals affected with ELN-related conditions. This sequence change replaces leucine, which is neutral and non-polar, with arginine, which is basic and polar, at codon 226 of the ELN protein (p.Leu226Arg). This variant is not present in population databases (gnomAD no frequency). ClinVar contains an entry for this variant (Variation ID: 1720212). Advanced modeling of protein sequence and biophysical properties (such as structural, functional, and spatial information, amino acid conservation, physicochemical variation, residue mobility, and thermodynamic stability) performed at Invitae indicates that this missense variant is not expected to disrupt ELN protein function. In summary, the available evidence is currently insufficient to determine the role of this variant in disease. Therefore, it has been classified as a Variant of Uncertain Significance.